The following is an entry in ClinVar:

ClinVar aggregate classification (germline): Benign/Likely benign. Review status: criteria provided, multiple submitters, no conflicts (2 of 4 stars). 3 submissions from 3 submitters: Benign (2); Likely benign (1). Last evaluated 2026-07-01.

Allele frequency attached by ClinVar (database versions not stated): gnomAD exomes 0.00079 and 0.00190; ExAC 0.00231; gnomAD 0.00523 and 0.00541; ESP Exome Variant Server 0.00584; TOPMed 0.00632; 1000 Genomes Project 30x 0.00812; 1000 Genomes Project 0.00839.
gnomAD v4.1: 2,016 of 1,613,948 alleles (0.12%); highest among the groups gnomAD compares: African/African-American, 1.7%; 22 homozygotes.

Submissions (3):

CeGaT Center for Human Genetics Tuebingen
Classification: Benign. Last evaluated: 2026-07-01. Review status: criteria provided, single submitter. Criteria: CeGaT Center For Human Genetics Tuebingen Variant Classification Criteria Version 2. Collection method: clinical testing. Allele origin: germline. Affected: yes. Observed: 1 variant allele.
Comment: FLT4: BS1, BS2

ARUP Laboratories, Molecular Genetics and Genomics, ARUP Laboratories
Classification: Likely benign. Last evaluated: 2020-10-25. Review status: criteria provided, single submitter. Criteria: ARUP Molecular Germline Variant Investigation Process 2021. Collection method: clinical testing. Allele origin: germline.

Labcorp Genetics (formerly Invitae), Labcorp
Classification: Benign. Last evaluated: 2019-12-31. Review status: criteria provided, single submitter. Criteria: Invitae Variant Classification Sherloc (09022015). Collection method: clinical testing. Allele origin: germline.

NM_182925.5(FLT4):c.3460G>A (p.Gly1154Arg)

Gene: FLT4 (fms related receptor tyrosine kinase 4; minus strand). Cytogenetic location: 5q35.3.
Variant type: single nucleotide variant.
Coding change: c.3460G>A on transcript NM_182925.5 (MANE Select); coding-DNA position 3460, G replaced by A.
Protein change: p.Gly1154Arg; replaces glycine 1154 with arginine.
Molecular consequence: missense variant.
Genome position (GRCh38, 1-based): chr5:180,612,583, C>T on the plus strand (G>A on the coding strand, the complement: FLT4 is on the minus strand). VCF-style: chr5-180612583-C-T. GRCh37 (hg19) VCF-style: chr5-180039583-C-T.
Other names: c.3460G>A, p.Gly1154Arg (NM_001354989.2, NM_002020.5); short protein forms G1154R.
Identifiers: ClinVar variation 702108 (VCV000702108.12), dbSNP rs75614493, ClinGen allele CA3605819.